The following is an entry in ClinVar:

NM_001447.3(FAT2):c.12763C>T (p.Arg4255Trp)

Genes: FAT2 (FAT atypical cadherin 2; minus strand), SLC36A1 (solute carrier family 36 member 1; plus strand). Cytogenetic location: 5q33.1.
Variant type: single nucleotide variant.
Coding change: c.12763C>T on transcript NM_001447.3 (MANE Select); coding-DNA position 12763, C replaced by T.
Protein change: p.Arg4255Trp; replaces arginine 4255 with tryptophan.
Molecular consequence: missense variant.
Genome position (GRCh38, 1-based): chr5:151,505,852, G>A on the plus strand (C>T on the coding strand, the complement: FAT2 is on the minus strand). VCF-style: chr5-151505852-G-A. GRCh37 (hg19) VCF-style: chr5-150885413-G-A.
Other names: short protein forms R4255W.
Identifiers: ClinVar variation 1049808 (VCV001049808.4), dbSNP rs765038227, ClinGen allele CA3519692.

ClinVar aggregate classification (germline): Uncertain significance. Review status: criteria provided, single submitter (1 of 4 stars). 2 submissions from 2 submitters: Uncertain significance (1). 1 of the submissions does not count toward it. Last evaluated 2022-12-30.

Allele frequency attached by ClinVar (database versions not stated): ExAC 0.00002; gnomAD exomes 0.00002; gnomAD 0.00003; TOPMed 0.00003.
gnomAD v4.1: 100 of 1,610,838 alleles (0.0062%); highest among the groups gnomAD compares: Middle Eastern, 0.017%; no homozygotes.

Submissions (2):

Labcorp Genetics (formerly Invitae), Labcorp
Classification: Uncertain significance. Last evaluated: 2022-12-30. Review status: criteria provided, single submitter. Criteria: Invitae Variant Classification Sherloc (09022015). Collection method: clinical testing. Allele origin: germline.
Comment: In summary, the available evidence is currently insufficient to determine the role of this variant in disease. Therefore, it has been classified as a Variant of Uncertain Significance. Algorithms developed to predict the effect of missense changes on protein structure and function are either unavailable or do not agree on the potential impact of this missense change (SIFT: "Deleterious"; PolyPhen-2: "Possibly Damaging"; Align-GVGD: "Class C0"). ClinVar contains an entry for this variant (Variation ID: 1049808). This variant has not been reported in the literature in individuals affected with FAT2-related conditions. This variant is present in population databases (rs765038227, gnomAD 0.005%). This sequence change replaces arginine, which is basic and polar, with tryptophan, which is neutral and slightly polar, at codon 4255 of the FAT2 protein (p.Arg4255Trp).

Department of Pathology and Laboratory Medicine, Sinai Health System
Classification: Uncertain significance. Review status: no assertion criteria provided. Collection method: clinical testing. Allele origin: unknown. Affected: yes. Study: The Canadian Open Genetics Repository (COGR). Not counted in ClinVar's aggregate classification.
Comment: The FAT2 p.Arg4255Trp variant was not identified in the literature nor was it identified in ClinVar or LOVD 3.0. The variant was identified in dbSNP (ID: rs765038227) and in control databases in 5 of 278622 chromosomes at a frequency of 0.000018 (Genome Aggregation Database March 6, 2019, v2.1.1). The variant was observed in the following populations: East Asian in 1 of 19704 chromosomes (freq: 0.000051), Latino in 1 of 33970 chromosomes (freq: 0.000029) and European (non-Finnish) in 3 of 127666 chromosomes (freq: 0.000024), but was not observed in the African, Ashkenazi Jewish, European (Finnish), Other or South Asian populations. The p.Arg4255 residue is conserved in mammals and computational analyses (PolyPhen-2, SIFT, AlignGVGD, BLOSUM, MutationTaster) provide inconsistent predictions regarding the impact to the protein; this information is not very predictive of pathogenicity. The variant occurs outside of the splicing consensus sequence and in silico or computational prediction software programs (SpliceSiteFinder, MaxEntScan, NNSPLICE, GeneSplicer) do not predict a difference in splicing. In summary, based on the above information the clinical significance of this variant cannot be determined with certainty at this time. This variant is classified as a variant of uncertain significance.